The following is an entry in ClinVar:

ClinVar aggregate classification (germline): Benign. Review status: criteria provided, multiple submitters, no conflicts (2 of 4 stars). 3 submissions from 3 submitters: Benign (3). Last evaluated 2021-07-10.

Conditions:
Retinitis pigmentosa 28 (RP28). Identifiers: Orphanet 791, MedGen C1419614, MONDO:0011630, OMIM 606068.
Retinitis pigmentosa (RP). Identifiers: Orphanet 791, MedGen C0035334, MeSH D012174, MONDO:0019200, OMIM 268000. Inheritance: Autosomal dominant, autosomal recessive and X linked inheritance.

Allele frequency attached by ClinVar (database versions not stated): TOPMed 0.97697; 1000 Genomes Project 0.97943; 1000 Genomes Project 30x 0.98111; ExAC 0.97460; ESP Exome Variant Server 0.98149; gnomAD 0.98184; gnomAD exomes 0.97492.

Submissions (3):

Genome-Nilou Lab
Classification: Benign for Retinitis pigmentosa 28. Last evaluated: 2021-07-10. Review status: criteria provided, single submitter. Criteria: ACMG Guidelines, 2015. Collection method: clinical testing. Allele origin: germline. Affected: no.

Illumina Laboratory Services, Illumina
Classification: Benign for Retinitis pigmentosa. Last evaluated: 2018-01-13. Review status: criteria provided, single submitter. Criteria: ICSL Variant Classification Criteria 13 December 2019. Collection method: clinical testing. Allele origin: germline.
Comment: This variant was observed in the ICSL laboratory as part of a predisposition screen in an ostensibly healthy population. It had not been previously curated by ICSL or reported in the Human Gene Mutation Database (HGMD: prior to June 1st, 2018), and was therefore a candidate for classification through an automated scoring system. Utilizing variant allele frequency, disease prevalence and penetrance estimates, and inheritance mode, an automated score was calculated to assess if this variant is too frequent to cause the disease. Based on the score and internal cut-off values, a variant classified as benign is not then subjected to further curation. The score for this variant resulted in a classification of benign for this disease.

Breakthrough Genomics
Classification: Benign. Review status: criteria provided, single submitter. Criteria: ACMG Guidelines, 2015. Collection method: not provided. Allele origin: germline. Inheritance: Unknown mechanism. Affected: yes.

NM_032180.2(FAM161A):c.-41T>C

Gene: FAM161A (FAM161 centrosomal protein A; minus strand). Cytogenetic location: 2p15.
Variant type: single nucleotide variant.
Coding change: c.-41T>C on transcript NM_032180.2; 41 bases upstream of the start codon, T replaced by C.
Genome position (GRCh38, 1-based): chr2:61,854,082, A>G on the plus strand (T>C on the coding strand, the complement: FAM161A is on the minus strand). VCF-style: chr2-61854082-A-G. GRCh37 (hg19) VCF-style: chr2-62081217-A-G.
Identifiers: ClinVar variation 336747 (VCV000336747.11), dbSNP rs1881616, ClinGen allele CA1679478.